The following is an entry in ClinVar:

NM_000064.4(C3):c.2734G>T (p.Val912Phe)

Gene: C3 (complement C3; minus strand). Cytogenetic location: 19p13.3.
Variant type: single nucleotide variant.
Coding change: c.2734G>T on transcript NM_000064.4 (MANE Select); coding-DNA position 2734, G replaced by T.
Protein change: p.Val912Phe; replaces valine 912 with phenylalanine.
Molecular consequence: missense variant.
Genome position (GRCh38, 1-based): chr19:6,697,406, C>A on the plus strand (G>T on the coding strand, the complement: C3 is on the minus strand). VCF-style: chr19-6697406-C-A. GRCh37 (hg19) VCF-style: chr19-6697417-C-A.
Other names: short protein forms V912F.
Identifiers: ClinVar variation 3610516 (VCV003610516.3).
Genomic context (GRCh38, chr19:6,697,406, plus strand): 5'-CGACCTTCAGGGACTTCCTGACACCGTCACTGATGAAATGATGGTAGACAGCAGCCTTGA[C>A]TTCCACTTCCTGCAGGCCGGTCTTTAGCGGCACGATGACATATGGAACGGACAACGAGGA-3'
Protein context (NP_000055.2, residues 902-922): PLKTGLQEVE[Val912Phe]KAAVYHHFIS

ClinVar aggregate classification (germline): Uncertain significance. Review status: criteria provided, multiple submitters, no conflicts (2 of 4 stars). 2 submissions from 2 submitters: Uncertain significance (2). Last evaluated 2025-06-10.

Conditions:
Inborn genetic diseases. Identifiers: MedGen C0950123, MeSH D030342.

gnomAD v4.1: 3 of 1,614,032 alleles (0.00019%); highest among the groups gnomAD compares: Admixed American, 0.005%; no homozygotes.

Submissions (2):

Ambry Genetics
Classification: Uncertain significance for Inborn genetic diseases. Last evaluated: 2025-06-10. Review status: criteria provided, single submitter. Criteria: Ambry Variant Classification Scheme 2023. Collection method: clinical testing. Allele origin: germline.

Labcorp Genetics (formerly Invitae), Labcorp
Classification: Uncertain significance. Last evaluated: 2024-09-24. Review status: criteria provided, single submitter. Criteria: Invitae Variant Classification Sherloc (09022015). Collection method: clinical testing. Allele origin: germline.
Comment: This sequence change replaces valine, which is neutral and non-polar, with phenylalanine, which is neutral and non-polar, at codon 912 of the C3 protein (p.Val912Phe). This variant is present in population databases (no rsID available, gnomAD 0.006%). This variant has not been reported in the literature in individuals affected with C3-related conditions. Invitae Evidence Modeling of protein sequence and biophysical properties (such as structural, functional, and spatial information, amino acid conservation, physicochemical variation, residue mobility, and thermodynamic stability) has been performed for this missense variant. However, the output from this modeling did not meet the statistical confidence thresholds required to predict the impact of this variant on C3 protein function. In summary, the available evidence is currently insufficient to determine the role of this variant in disease. Therefore, it has been classified as a Variant of Uncertain Significance.